The following is an entry in ClinVar:

NM_001365276.2(TNXB):c.9188T>G (p.Leu3063Arg)

Gene: TNXB (tenascin XB; minus strand). Cytogenetic location: 6p21.33.
Variant type: single nucleotide variant.
Coding change: c.9188T>G on transcript NM_001365276.2 (MANE Select); coding-DNA position 9188, T replaced by G.
Protein change: p.Leu3063Arg; replaces leucine 3063 with arginine.
Molecular consequence: missense variant.
Genome position (GRCh38, 1-based): chr6:32,050,249, A>C on the plus strand (T>G on the coding strand, the complement: TNXB is on the minus strand). VCF-style: chr6-32050249-A-C. GRCh37 (hg19) VCF-style: chr6-32018026-A-C.
Other names: c.9182T>G, p.Leu3061Arg (NM_019105.8); short protein forms L3061R, L3063R.
Identifiers: ClinVar variation 1702357 (VCV001702357.4), dbSNP rs554075676, ClinGen allele CA3733603.

ClinVar aggregate classification (germline): Uncertain significance. Review status: criteria provided, multiple submitters, no conflicts (2 of 4 stars). 2 submissions from 2 submitters: Uncertain significance (2). Last evaluated 2025-07-13.

Conditions:
Ehlers-Danlos syndrome (EDS). Identifiers: Orphanet 98249, MedGen C0013720, MONDO:0020066.
Cardiovascular phenotype. Identifiers: MedGen CN230736.

Allele frequency attached by ClinVar (database versions not stated): gnomAD 0.00001 and 0.00002; ExAC 0.00002; gnomAD exomes 0.00002; TOPMed below 0.00001; 1000 Genomes Project 30x 0.00016; 1000 Genomes Project 0.00020.
gnomAD v4.1: 22 of 1,613,506 alleles (0.0014%); highest among the groups gnomAD compares: Admixed American, 0.005%; no homozygotes.

Submissions (2):

Ambry Genetics
Classification: Uncertain significance for Cardiovascular phenotype. Last evaluated: 2025-07-13. Review status: criteria provided, single submitter. Criteria: Ambry Variant Classification Scheme 2023. Collection method: clinical testing. Allele origin: germline.
Comment: The p.L3061R variant (also known as c.9182T>G), located in coding exon 26 of the TNXB gene, results from a T to G substitution at nucleotide position 9182. The leucine at codon 3061 is replaced by arginine, an amino acid with dissimilar properties. This amino acid position is conserved. In addition, this alteration is predicted to be tolerated by in silico analysis. Based on the available evidence, the clinical significance of this variant remains unclear.

Genome Diagnostics Laboratory, The Hospital for Sick Children
Classification: Uncertain significance for Ehlers-Danlos syndrome. Last evaluated: 2020-01-01. Review status: criteria provided, single submitter. Criteria: ACMG Guidelines, 2015. Collection method: clinical testing. Allele origin: germline.